The following is an entry in ClinVar:

NM_005247.4(FGF3):c.316T>G (p.Tyr106Asp)

Gene: FGF3 (fibroblast growth factor 3; minus strand). Cytogenetic location: 11q13.3.
Variant type: single nucleotide variant.
Coding change: c.316T>G on transcript NM_005247.4 (MANE Select); coding-DNA position 316, T replaced by G.
Protein change: p.Tyr106Asp; replaces tyrosine 106 with aspartic acid.
Molecular consequence: missense variant.
Genome position (GRCh38, 1-based): chr11:69,816,328, A>C on the plus strand (T>G on the coding strand, the complement: FGF3 is on the minus strand). VCF-style: chr11-69816328-A-C. GRCh37 (hg19) VCF-style: chr11-69631096-A-C.
Other names: short protein forms Y106D.
Identifiers: ClinVar variation 1525390 (VCV001525390.8), dbSNP rs782160613, ClinGen allele CA381664106.
Genomic context (GRCh38, chr11:69,816,328, plus strand): 5'-AGGCCAGACCGCTACTCCGTCAGCGCCCACCCACGTGACAGCCTGGACTCACCGAAGCAT[A>C]GAGTCGTCCCCTCTTGTTCATGGCCAGGTACCGCCCGGAGAAGAGACCCCTGATGGCCAC-3'
Protein context (NP_005238.1, residues 96-116): YLAMNKRGRL[Tyr106Asp]ASEHYSAECE

ClinVar aggregate classification (germline): Uncertain significance (1 of 4 stars; one submission).

Submission:

Labcorp Genetics (formerly Invitae), Labcorp
Classification: Uncertain significance. Last evaluated: 2023-07-10. Review status: criteria provided, single submitter. Criteria: Invitae Variant Classification Sherloc (09022015). Collection method: clinical testing. Allele origin: germline.
Comment: This variant disrupts the p.Tyr106 amino acid residue in FGF3. Other variant(s) that disrupt this residue have been observed in individuals with FGF3-related conditions (PMID: 21480479), which suggests that this may be a clinically significant amino acid residue. In summary, the available evidence is currently insufficient to determine the role of this variant in disease. Therefore, it has been classified as a Variant of Uncertain Significance. An algorithm developed to predict the effect of missense changes on protein structure and function (PolyPhen-2) suggests that this variant is likely to be disruptive. This sequence change replaces tyrosine, which is neutral and polar, with aspartic acid, which is acidic and polar, at codon 106 of the FGF3 protein (p.Tyr106Asp). This variant is not present in population databases (gnomAD no frequency). This missense change has been observed in individual(s) with clinical features of deafness with labyrinthine aplasia, microtia, and microdontia (Invitae). ClinVar contains an entry for this variant (Variation ID: 1525390).

Literature cited by the submitters: PubMed 21480479.